The following is an entry in ClinVar:

NM_020937.4(FANCM):c.5503T>C (p.Ser1835Pro)

Gene: FANCM (FA complementation group M; plus strand). Cytogenetic location: 14q21.2.
Variant type: single nucleotide variant.
Coding change: c.5503T>C on transcript NM_020937.4 (MANE Select); coding-DNA position 5503, T replaced by C.
Protein change: p.Ser1835Pro; replaces serine 1835 with proline.
Molecular consequence: missense variant.
Genome position (GRCh38, 1-based): chr14:45,196,334, T>C. VCF-style: chr14-45196334-T-C. GRCh37 (hg19) VCF-style: chr14-45665537-T-C.
Other names: c.5425T>C, p.Ser1809Pro (NM_001308133.2); short protein forms S1809P, S1835P.
Identifiers: ClinVar variation 4826034 (VCV004826034.1).
Genomic context (GRCh38, chr14:45,196,334, plus strand): 5'-GGAAAAGGAACCTGTATTCTTGTAGGTGGTCATGAAATCACTTCTGGATTAGAAGTAATT[T>C]CTTCCCTAAGAGCAATTCATGGGTTGCAAGTAGAAGTTTGTCCTCTTAATGGCTGTGATT-3'
Protein context (NP_065988.1, residues 1825-1845): HEITSGLEVI[Ser1835Pro]SLRAIHGLQV

ClinVar aggregate classification (germline): Uncertain significance (1 of 4 stars; one submission).

Conditions:
Inborn genetic diseases. Identifiers: MedGen C0950123, MeSH D030342.

Submission:

Ambry Genetics
Classification: Uncertain significance for Inborn genetic diseases. Last evaluated: 2026-03-14. Review status: criteria provided, single submitter. Criteria: Ambry Variant Classification Scheme 2023. Collection method: clinical testing. Allele origin: germline.
Comment: The p.S1835P variant (also known as c.5503T>C), located in coding exon 21 of the FANCM gene, results from a T to C substitution at nucleotide position 5503. The serine at codon 1835 is replaced by proline, an amino acid with similar properties. This amino acid position is conserved. In addition, the in silico prediction for this alteration is inconclusive. Based on the available evidence, the clinical significance of this variant remains unclear.